The following is an entry in ClinVar:

NM_006618.5(KDM5B):c.204+5G>T

Genes: KDM5B (lysine demethylase 5B; minus strand), LOC129932249 (ATAC-STARR-seq lymphoblastoid silent region 1705; plus strand). Cytogenetic location: 1q32.1.
Variant type: single nucleotide variant.
Coding change: c.204+5G>T on transcript NM_006618.5 (MANE Select); 5 bases into the intron after coding-DNA position 204, G replaced by T.
Molecular consequence: intron variant.
Genome position (GRCh38, 1-based): chr1:202,808,097, C>A on the plus strand (G>T on the coding strand, the complement: KDM5B is on the minus strand). VCF-style: chr1-202808097-C-A. GRCh37 (hg19) VCF-style: chr1-202777225-C-A.
Other names: c.189+20G>T (NM_001399817.1); c.204+5G>T (NM_001347591.2, NM_001314042.2).
Identifiers: ClinVar variation 3345032 (VCV003345032.1).

ClinVar aggregate classification (germline): Uncertain significance (0 of 4 stars; one submission).

Conditions:
KDM5B-related disorder. Also called: KDM5B-related condition.

Submission:

PreventionGenetics, part of Exact Sciences
Classification: Uncertain significance for KDM5B-related condition. Last evaluated: 2024-07-25. Review status: no assertion criteria provided. Collection method: clinical testing. Allele origin: germline.
Comment: The KDM5B c.204+5G>T variant is predicted to interfere with splicing. To our knowledge, this variant has not been reported in the literature or in a large population database, indicating this variant is rare. Although we suspect that this variant may be pathogenic, at this time, the clinical significance of this variant is uncertain due to the absence of conclusive functional and genetic evidence.